The following is an entry in ClinVar:

ClinVar aggregate classification (germline): Uncertain significance. Review status: criteria provided, multiple submitters, no conflicts (2 of 4 stars). 2 submissions from 2 submitters: Uncertain significance (2). Last evaluated 2025-05-11.

Submissions (2):

GeneDx
Classification: Uncertain significance. Last evaluated: 2025-05-11. Review status: criteria provided, single submitter. Criteria: GeneDx Variant Classification Process June 2021. Collection method: clinical testing. Allele origin: germline. Affected: yes.
Comment: Not observed at significant frequency in large population cohorts (gnomAD); In silico analysis supports that this missense variant has a deleterious effect on protein structure/function; Has not been previously published as pathogenic or benign to our knowledge

Labcorp Genetics (formerly Invitae), Labcorp
Classification: Uncertain significance. Last evaluated: 2024-08-20. Review status: criteria provided, single submitter. Criteria: Invitae Variant Classification Sherloc (09022015). Collection method: clinical testing. Allele origin: germline.
Comment: This sequence change replaces cysteine, which is neutral and slightly polar, with tyrosine, which is neutral and polar, at codon 293 of the TGFB1 protein (p.Cys293Tyr). This variant is not present in population databases (gnomAD no frequency). This variant has not been reported in the literature in individuals affected with TGFB1-related conditions. Invitae Evidence Modeling of protein sequence and biophysical properties (such as structural, functional, and spatial information, amino acid conservation, physicochemical variation, residue mobility, and thermodynamic stability) indicates that this missense variant is expected to disrupt TGFB1 protein function with a positive predictive value of 80%. In summary, the available evidence is currently insufficient to determine the role of this variant in disease. Therefore, it has been classified as a Variant of Uncertain Significance.

NM_000660.7(TGFB1):c.878G>A (p.Cys293Tyr)

Gene: TGFB1 (transforming growth factor beta 1; minus strand). Cytogenetic location: 19q13.2.
Variant type: single nucleotide variant.
Coding change: c.878G>A on transcript NM_000660.7 (MANE Select); coding-DNA position 878, G replaced by A.
Protein change: p.Cys293Tyr; replaces cysteine 293 with tyrosine.
Molecular consequence: missense variant.
Genome position (GRCh38, 1-based): chr19:41,332,264, C>T on the plus strand (G>A on the coding strand, the complement: TGFB1 is on the minus strand). VCF-style: chr19-41332264-C-T. GRCh37 (hg19) VCF-style: chr19-41838169-C-T.
Other names: c.878G>A (NM_000660.4); short protein forms C293Y.
Identifiers: ClinVar variation 3661570 (VCV003661570.3).
Genomic context (GRCh38, chr19:41,332,264, plus strand): 5'-TCGTGGATCCACTTCCAGCCGAGGTCCTTGCGGAAGTCAATGTACAGCTGCCGCACGCAG[C>T]AGTTCTTCTCCGTGGAGCTGCAGGCAGGAGAGACGCGTCAGGGGCAGGGAGGGGCTACCA-3'
Protein context (NP_000651.3, residues 283-303): NYCFSSTEKN[Cys293Tyr]CVRQLYIDFR